The following is an entry in ClinVar:

NM_001035.3(RYR2):c.1969C>A (p.Pro657Thr)

Gene: RYR2 (ryanodine receptor 2; plus strand). Cytogenetic location: 1q43.
Variant type: single nucleotide variant.
Coding change: c.1969C>A on transcript NM_001035.3 (MANE Select); coding-DNA position 1969, C replaced by A.
Protein change: p.Pro657Thr; replaces proline 657 with threonine.
Molecular consequence: missense variant.
Genome position (GRCh38, 1-based): chr1:237,496,518, C>A. VCF-style: chr1-237496518-C-A. GRCh37 (hg19) VCF-style: chr1-237659818-C-A.
Other names: short protein forms P657T.
Identifiers: ClinVar variation 5009320 (VCV005009320.1).

ClinVar aggregate classification (germline): Uncertain significance (1 of 4 stars; one submission).

Submission:

GeneDx
Classification: Uncertain significance. Last evaluated: 2026-03-19. Review status: criteria provided, single submitter. Criteria: GeneDx Variant Classification Process June 2021. Collection method: clinical testing. Allele origin: germline.
Comment: Not observed at significant frequency in large population cohorts (gnomAD); In silico analysis supports that this missense variant has a deleterious effect on protein structure/function; Has not been previously published as pathogenic or benign to our knowledge; Not located in one of the three hot-spot regions of the RYR2 gene, where the majority of pathogenic missense variants occur (PMID: 19926015); This variant is associated with the following publications: (PMID: 19926015)